The following is an entry in ClinVar:

NM_182914.3(SYNE2):c.896T>A (p.Val299Glu)

Gene: SYNE2 (spectrin repeat containing nuclear envelope protein 2; plus strand). Cytogenetic location: 14q23.2.
Variant type: single nucleotide variant.
Coding change: c.896T>A on transcript NM_182914.3 (MANE Select); coding-DNA position 896, T replaced by A.
Protein change: p.Val299Glu; replaces valine 299 with glutamic acid.
Molecular consequence: missense variant.
Genome position (GRCh38, 1-based): chr14:63,963,906, T>A. VCF-style: chr14-63963906-T-A. GRCh37 (hg19) VCF-style: chr14-64430624-T-A.
Other names: c.896T>A, p.Val299Glu (NM_015180.6); short protein forms V299E.
Identifiers: ClinVar variation 2912289 (VCV002912289.3), dbSNP rs2550708324, ClinGen allele CA389948209.

ClinVar aggregate classification (germline): Uncertain significance (1 of 4 stars; one submission).

Conditions:
Emery-Dreifuss muscular dystrophy 5, autosomal dominant (EDMD5). Also called: EMERY-DREIFUSS MUSCULAR DYSTROPHY 5. Identifiers: Orphanet 261, MedGen C2751805, MONDO:0013072, OMIM 612999.

Allele frequency attached by ClinVar (database versions not stated): gnomAD exomes below 0.00001.
gnomAD v4.1: 1 of 1,611,654 alleles (0.000062%); highest among the groups gnomAD compares: Non-Finnish European, 0.000085%; no homozygotes.

Submission:

Labcorp Genetics (formerly Invitae), Labcorp
Classification: Uncertain significance for Emery-Dreifuss muscular dystrophy 5, autosomal dominant. Last evaluated: 2023-01-08. Review status: criteria provided, single submitter. Criteria: Invitae Variant Classification Sherloc (09022015). Collection method: clinical testing. Allele origin: germline.
Comment: This sequence change replaces valine, which is neutral and non-polar, with glutamic acid, which is acidic and polar, at codon 299 of the SYNE2 protein (p.Val299Glu). This variant is not present in population databases (gnomAD no frequency). In summary, the available evidence is currently insufficient to determine the role of this variant in disease. Therefore, it has been classified as a Variant of Uncertain Significance. Algorithms developed to predict the effect of missense changes on protein structure and function are either unavailable or do not agree on the potential impact of this missense change (SIFT: "Tolerated"; PolyPhen-2: "Possibly Damaging"; Align-GVGD: "Class C0"). This variant has not been reported in the literature in individuals affected with SYNE2-related conditions.